The following is an entry in ClinVar:

ClinVar aggregate classification (germline): Uncertain significance (1 of 4 stars; one submission).

Conditions:
PLCB4-related disorder. Also called: PLCB4-related condition.

gnomAD v4.1: 3 of 1,614,206 alleles (0.00019%); highest among the groups gnomAD compares: Non-Finnish European, 0.00025%; no homozygotes.

Submission:

PreventionGenetics, part of Exact Sciences
Classification: Uncertain significance for PLCB4-related condition. Last evaluated: 2026-08-26. Review status: criteria provided, single submitter. Criteria: ACMG Guidelines, 2015. Collection method: clinical testing. Allele origin: germline.
Comment: The PLCB4 c.1024T>G variant is predicted to result in the amino acid substitution p.Ser342Ala. To our knowledge, this variant has not been reported in the literature or in a large population database (gnomAD), indicating this variant is rare. At this time, the clinical significance of this variant is uncertain due to the absence of conclusive functional and genetic evidence.

NM_001377142.1(PLCB4):c.1024T>G (p.Ser342Ala)

Gene: PLCB4 (phospholipase C beta 4; plus strand). Cytogenetic location: 20p12.2.
Variant type: single nucleotide variant.
Coding change: c.1024T>G on transcript NM_001377142.1 (MANE Select); coding-DNA position 1024, T replaced by G.
Protein change: p.Ser342Ala; replaces serine 342 with alanine.
Molecular consequence: missense variant.
Genome position (GRCh38, 1-based): chr20:9,384,371, T>G. VCF-style: chr20-9384371-T-G. GRCh37 (hg19) VCF-style: chr20-9365018-T-G.
Other names: c.1024T>G, p.Ser342Ala (NM_000933.4, NM_001172646.2, NM_001377134.2 and 4 more transcripts); short protein forms S342A.
Identifiers: ClinVar variation 4996402 (VCV004996402.1).